The following is an entry in ClinVar:

ClinVar aggregate classification (germline): Uncertain significance. Review status: criteria provided, multiple submitters, no conflicts (2 of 4 stars). 2 submissions from 2 submitters: Uncertain significance (2). Last evaluated 2024-04-19.

Conditions:
Capillary malformation-arteriovenous malformation syndrome. Also called: Capillary malformation-arteriovenous malformation. Identifiers: Orphanet 137667, MedGen C1842180, MONDO:0012016.
Cardiovascular phenotype. Identifiers: MedGen CN230736.

Allele frequency attached by ClinVar (database versions not stated): ExAC 0.00001.
gnomAD v4.1: 5 of 1,607,576 alleles (0.00031%); highest among the groups gnomAD compares: Non-Finnish European, 0.00042%; no homozygotes.

Submissions (2):

Ambry Genetics
Classification: Uncertain significance for Cardiovascular phenotype. Last evaluated: 2024-04-19. Review status: criteria provided, single submitter. Criteria: Ambry Variant Classification Scheme 2023. Collection method: clinical testing. Allele origin: germline.
Comment: The p.A40S variant (also known as c.118G>T), located in coding exon 1 of the RASA1 gene, results from a G to T substitution at nucleotide position 118. The alanine at codon 40 is replaced by serine, an amino acid with similar properties. This amino acid position is conserved. In addition, this alteration is predicted to be tolerated by in silico analysis. Based on the available evidence, the clinical significance of this variant remains unclear.

Labcorp Genetics (formerly Invitae), Labcorp
Classification: Uncertain significance for Capillary malformation-arteriovenous malformation syndrome. Last evaluated: 2022-10-10. Review status: criteria provided, single submitter. Criteria: Invitae Variant Classification Sherloc (09022015). Collection method: clinical testing. Allele origin: germline.
Comment: In summary, the available evidence is currently insufficient to determine the role of this variant in disease. Therefore, it has been classified as a Variant of Uncertain Significance. Algorithms developed to predict the effect of missense changes on protein structure and function are either unavailable or do not agree on the potential impact of this missense change (SIFT: "Tolerated"; PolyPhen-2: "Possibly Damaging"; Align-GVGD: "Class C0"). This variant has not been reported in the literature in individuals affected with RASA1-related conditions. The frequency data for this variant in the population databases is considered unreliable, as metrics indicate poor data quality at this position in the gnomAD database. This sequence change replaces alanine, which is neutral and non-polar, with serine, which is neutral and polar, at codon 40 of the RASA1 protein (p.Ala40Ser).

NM_002890.3(RASA1):c.118G>T (p.Ala40Ser)

Gene: RASA1 (RAS p21 protein activator 1; plus strand). Cytogenetic location: 5q14.3.
Variant type: single nucleotide variant.
Coding change: c.118G>T on transcript NM_002890.3 (MANE Select); coding-DNA position 118, G replaced by T.
Protein change: p.Ala40Ser; replaces alanine 40 with serine.
Molecular consequence: missense variant.
Genome position (GRCh38, 1-based): chr5:87,268,569, G>T. VCF-style: chr5-87268569-G-T. GRCh37 (hg19) VCF-style: chr5-86564386-G-T.
Other names: short protein forms A40S.
Identifiers: ClinVar variation 1932536 (VCV001932536.6), dbSNP rs776808593, ClinGen allele CA3335333.